The following is an entry in ClinVar:

ClinVar aggregate classification (germline): Pathogenic (1 of 4 stars; one submission).

Conditions:
Primary ciliary dyskinesia. Also called: Ciliary dyskinesia. Identifiers: Orphanet 244, MedGen C0008780, MONDO:0016575, HP:0012265.

Submission:

Labcorp Genetics (formerly Invitae), Labcorp
Classification: Pathogenic for Primary ciliary dyskinesia. Last evaluated: 2023-07-25. Review status: criteria provided, single submitter. Criteria: Invitae Variant Classification Sherloc (09022015). Collection method: clinical testing. Allele origin: germline.
Comment: For these reasons, this variant has been classified as Pathogenic. This variant has not been reported in the literature in individuals affected with DNAH11-related conditions. This variant is present in population databases (rs749689428, gnomAD 0.01%). This sequence change creates a premature translational stop signal (p.Asn1144Serfs*6) in the DNAH11 gene. It is expected to result in an absent or disrupted protein product. Loss-of-function variants in DNAH11 are known to be pathogenic (PMID: 18022865, 20513915, 22184204).

Literature cited by the submitters: PubMed 18022865; PubMed 20513915; PubMed 22184204.

NM_001277115.2(DNAH11):c.3431_3434del (p.Asn1144fs)

Gene: DNAH11 (dynein axonemal heavy chain 11; plus strand). Cytogenetic location: 7p15.3.
Variant type: Deletion.
Coding change: c.3431_3434del on transcript NM_001277115.2 (MANE Select); coding-DNA positions 3431 to 3434, 4 bases deleted (ATGA; older notation c.3431_3434delATGA).
Protein change: p.Asn1144fs; shifts the reading frame from asparagine 1144.
Molecular consequence: frameshift variant.
Genome position (GRCh38, 1-based): chr7:21,601,401-21,601,404, ATGA deleted; deleting any 4 consecutive bases within chr7:21,601,398-21,601,404 gives the same sequence; the c. name uses the placement nearest the transcript's 3' end. VCF-style (leftmost placement, unchanged base first): chr7-21601397-CTGAA-C. GRCh37 (hg19) VCF-style: chr7-21641015-CTGAA-C.
Other names: c.3431_3434delATGA, p.Asn1144Serfs (NM_003777.3); short protein forms N1144fs.
Identifiers: ClinVar variation 2712518 (VCV002712518.3), dbSNP rs749689428, ClinGen allele CA4179640.